The following is an entry in ClinVar:

NM_002528.7(NTHL1):c.530A>T (p.Lys177Met)

Gene: NTHL1 (nth like DNA glycosylase 1; minus strand). Cytogenetic location: 16p13.3.
Variant type: single nucleotide variant.
Coding change: c.530A>T on transcript NM_002528.7 (MANE Select); coding-DNA position 530, A replaced by T.
Protein change: p.Lys177Met; replaces lysine 177 with methionine.
Molecular consequence: missense variant.
Genome position (GRCh38, 1-based): chr16:2,043,722, T>A on the plus strand (A>T on the coding strand, the complement: NTHL1 is on the minus strand). VCF-style: chr16-2043722-T-A. GRCh37 (hg19) VCF-style: chr16-2093723-T-A.
Other names: c.359A>T, p.Lys120Met (NM_001318193.2); c.200A>T, p.Lys67Met (NM_001318194.2); short protein forms K177M, K120M, K67M.
Identifiers: ClinVar variation 3651755 (VCV003651755.2).

ClinVar aggregate classification (germline): Uncertain significance (1 of 4 stars; one submission).

Submission:

Labcorp Genetics (formerly Invitae), Labcorp
Classification: Uncertain significance. Last evaluated: 2024-05-01. Review status: criteria provided, single submitter. Criteria: Invitae Variant Classification Sherloc (09022015). Collection method: clinical testing. Allele origin: germline.
Comment: This sequence change replaces lysine, which is basic and polar, with methionine, which is neutral and non-polar, at codon 185 of the NTHL1 protein (p.Lys185Met). This variant is not present in population databases (gnomAD no frequency). This variant has not been reported in the literature in individuals affected with NTHL1-related conditions. An algorithm developed to predict the effect of missense changes on protein structure and function (PolyPhen-2) suggests that this variant is likely to be disruptive. In summary, the available evidence is currently insufficient to determine the role of this variant in disease. Therefore, it has been classified as a Variant of Uncertain Significance.